The following is an entry in ClinVar:

ClinVar aggregate classification (germline): Uncertain significance (1 of 4 stars; one submission).

Conditions:
Nephronophthisis 16 (NPHP16). Identifiers: Orphanet 655, MedGen C3809320, MONDO:0014158, OMIM 615382.

Submission:

Labcorp Genetics (formerly Invitae), Labcorp
Classification: Uncertain significance for Nephronophthisis 16. Last evaluated: 2022-04-06. Review status: criteria provided, single submitter. Criteria: Invitae Variant Classification Sherloc (09022015). Collection method: clinical testing. Allele origin: germline.
Comment: In summary, the available evidence is currently insufficient to determine the role of this variant in disease. Therefore, it has been classified as a Variant of Uncertain Significance. Experimental studies and prediction algorithms are not available or were not evaluated, and the functional significance of this variant is currently unknown. This variant has not been reported in the literature in individuals affected with ANKS6-related conditions. This variant is not present in population databases (gnomAD no frequency). This sequence change creates a premature translational stop signal (p.Glu814Serfs*20) in the ANKS6 gene. While this is not anticipated to result in nonsense mediated decay, it is expected to disrupt the last 58 amino acid(s) of the ANKS6 protein.

NM_173551.5(ANKS6):c.2440del (p.Glu814fs)

Gene: ANKS6 (ankyrin repeat and sterile alpha motif domain containing 6; minus strand). Cytogenetic location: 9q22.33.
Variant type: Deletion.
Coding change: c.2440del on transcript NM_173551.5 (MANE Select); coding-DNA position 2440, one base deleted (G; older notation c.2440delG).
Protein change: p.Glu814fs; shifts the reading frame from glutamic acid 814.
Molecular consequence: frameshift variant.
Genome position (GRCh38, 1-based): chr9:98,745,630, C deleted on the plus strand (G on the coding strand, the reverse complement: ANKS6 is on the minus strand); the first of 2 consecutive C bases (chr9:98,745,630-98,745,631); deleting either gives the same sequence. VCF-style (leftmost placement, unchanged base first): chr9-98745629-TC-T. GRCh37 (hg19) VCF-style: chr9-101507911-TC-T.
Other names: short protein forms E814fs.
Identifiers: ClinVar variation 2122101 (VCV002122101.4), dbSNP rs2490338079, ClinGen allele CA2580080811.
Genomic context (GRCh38, chr9:98,745,629, plus strand): 5'-TTCAGTTCAGAAATCGCTGCCAGAATCTGCTGCCTGGACCCATCTGTCTTAATTCCCAGC[TC>T]CTTCAAGTCACCGTCAGTCAGTGTGAGGAACGCTTCCATGTCCACCTGGGGAGAGAGAGG-3'